The following is an entry in ClinVar:

ClinVar aggregate classification (germline): Likely benign (1 of 4 stars; one submission).

gnomAD v4.1: 226 of 1,613,810 alleles (0.014%); highest among the groups gnomAD compares: African/African-American, 0.27%; 1 homozygote.

Submission:

CeGaT Center for Human Genetics Tuebingen
Classification: Likely benign. Last evaluated: 2026-07-01. Review status: criteria provided, single submitter. Criteria: CeGaT Center For Human Genetics Tuebingen Variant Classification Criteria Version 2. Collection method: clinical testing. Allele origin: germline. Affected: yes. Observed: 1 variant allele.
Comment: RCC1L: BP4, BP7

NM_030798.5(RCC1L):c.618T>C (p.Cys206=)

Gene: RCC1L (RCC1 like; minus strand). Cytogenetic location: 7q11.23.
Variant type: single nucleotide variant.
Coding change: c.618T>C on transcript NM_030798.5 (MANE Select); coding-DNA position 618, T replaced by C.
Protein change: p.Cys206=; no amino-acid change (cysteine 206 retained).
Molecular consequence: synonymous variant.
Genome position (GRCh38, 1-based): chr7:75,064,614, A>G on the plus strand (T>C on the coding strand, the complement: RCC1L is on the minus strand). VCF-style: chr7-75064614-A-G. GRCh37 (hg19) VCF-style: chr7-74480427-A-G.
Other names: c.618T>C, p.Cys206= (NM_001281441.2, NM_148842.3); c.219T>C, p.Cys73= (NM_001363447.2).
Identifiers: ClinVar variation 5039055 (VCV005039055.1).